The following is an entry in ClinVar:

NM_133433.4(NIPBL):c.3202C>T (p.Arg1068Cys)

Gene: NIPBL (NIPBL cohesin loading factor; plus strand). Cytogenetic location: 5p13.2.
Variant type: single nucleotide variant.
Coding change: c.3202C>T on transcript NM_133433.4 (MANE Select); coding-DNA position 3202, C replaced by T.
Protein change: p.Arg1068Cys; replaces arginine 1068 with cysteine.
Molecular consequence: missense variant.
Genome position (GRCh38, 1-based): chr5:36,995,702, C>T. VCF-style: chr5-36995702-C-T. GRCh37 (hg19) VCF-style: chr5-36995804-C-T.
Other names: c.3202C>T, p.Arg1068Cys (NM_001438586.1, NM_015384.5); short protein forms R1068C.
Identifiers: ClinVar variation 5025749 (VCV005025749.1).

ClinVar aggregate classification (germline): Uncertain significance (1 of 4 stars; one submission).

Conditions:
Inborn genetic diseases. Identifiers: MedGen C0950123, MeSH D030342.

gnomAD v4.1: 6 of 1,613,460 alleles (0.00037%); highest among the groups gnomAD compares: Non-Finnish European, 0.00051%; no homozygotes.

Submission:

Ambry Genetics
Classification: Uncertain significance for Inborn genetic diseases. Last evaluated: 2026-08-27. Review status: criteria provided, single submitter. Criteria: Ambry Variant Classification Scheme 2023. Collection method: clinical testing. Allele origin: germline.
Comment: The c.3202C>T (p.R1068C) alteration is located in exon 11 (coding exon 10) of the NIPBL gene. This alteration results from a C to T substitution at nucleotide position 3202, causing the arginine (R) at amino acid position 1068 to be replaced by a cysteine (C). Based on data from gnomAD, the T allele has an overall frequency of <0.001% (1/251296) total alleles studied. The highest observed frequency was 0.001% (1/113616) of European (non-Finnish) alleles. Based on insufficient or conflicting evidence, the clinical significance of this alteration remains unclear.